The following is an entry in ClinVar:

ClinVar aggregate classification (germline): Conflicting classifications of pathogenicity. Review status: criteria provided, conflicting classifications (1 of 4 stars). 2 submissions from 2 submitters: Uncertain significance (1); Likely benign (1). Last evaluated 2023-12-23.

Conditions:
Primary ciliary dyskinesia. Also called: Ciliary dyskinesia. Identifiers: Orphanet 244, MedGen C0008780, MONDO:0016575, HP:0012265.

Allele frequency attached by ClinVar (database versions not stated): ExAC 0.00003; ESP Exome Variant Server 0.00008.
gnomAD v4.1: 7 of 1,613,646 alleles (0.00043%); highest among the groups gnomAD compares: Middle Eastern, 0.016%; no homozygotes.

Submissions (2):

Labcorp Genetics (formerly Invitae), Labcorp
Classification: Likely benign for Primary ciliary dyskinesia. Last evaluated: 2023-12-23. Review status: criteria provided, single submitter. Criteria: Invitae Variant Classification Sherloc (09022015). Collection method: clinical testing. Allele origin: germline.

Ambry Genetics
Classification: Uncertain significance for Primary ciliary dyskinesia. Last evaluated: 2022-07-17. Review status: criteria provided, single submitter. Criteria: Ambry Variant Classification Scheme 2023. Collection method: clinical testing. Allele origin: germline.
Comment: The p.N3699S variant (also known as c.11096A>G), located in coding exon 68 of the DNAH11 gene, results from an A to G substitution at nucleotide position 11096. The asparagine at codon 3699 is replaced by serine, an amino acid with highly similar properties. This amino acid position is conserved. In addition, this alteration is predicted to be tolerated by in silico analysis. Since supporting evidence is limited at this time, the clinical significance of this alteration remains unclear.

NM_001277115.2(DNAH11):c.11096A>G (p.Asn3699Ser)

Gene: DNAH11 (dynein axonemal heavy chain 11; plus strand). Cytogenetic location: 7p15.3.
Variant type: single nucleotide variant.
Coding change: c.11096A>G on transcript NM_001277115.2 (MANE Select); coding-DNA position 11096, A replaced by G.
Protein change: p.Asn3699Ser; replaces asparagine 3699 with serine.
Molecular consequence: missense variant.
Genome position (GRCh38, 1-based): chr7:21,854,349, A>G. VCF-style: chr7-21854349-A-G. GRCh37 (hg19) VCF-style: chr7-21893967-A-G.
Other names: c.11117A>G, p.Asn3706Ser (NM_003777.3); short protein forms N3699S, N3706S.
Identifiers: ClinVar variation 1794458 (VCV001794458.5), dbSNP rs370458679, ClinGen allele CA4182616.